The following is an entry in ClinVar:

ClinVar aggregate classification (germline): Uncertain significance (1 of 4 stars; one submission).

Allele frequency attached by ClinVar (database versions not stated): gnomAD 0.00001; gnomAD exomes 0.00002; TOPMed 0.00002; ExAC 0.00004.
gnomAD v4.1: 23 of 1,518,638 alleles (0.0015%); highest among the groups gnomAD compares: Non-Finnish European, 0.002%; no homozygotes.

Submission:

Women's Health and Genetics/Laboratory Corporation of America, LabCorp
Classification: Uncertain significance. Last evaluated: 2024-02-22. Review status: criteria provided, single submitter. Criteria: LabCorp Variant Classification Summary - May 2015. Collection method: clinical testing. Allele origin: germline.
Comment: Variant summary: SPTBN1 c.4861G>A (p.Ala1621Thr) results in a non-conservative amino acid change in the encoded protein sequence. Four of five in-silico tools predict a damaging effect of the variant on protein function. The frequency data for this variant in gnomAD is considered unreliable, as metrics indicate poor data quality at this position. To our knowledge, no occurrence of c.4861G>A in individuals affected with Developmental Delay, Impaired Speech, And Behavioral Abnormalities and no experimental evidence demonstrating its impact on protein function have been reported. No submitters have cited clinical-significance assessments for this variant to ClinVar. Based on the evidence outlined above, the variant was classified as uncertain significance.

NM_003128.3(SPTBN1):c.4861G>A (p.Ala1621Thr)

Gene: SPTBN1 (spectrin beta, non-erythrocytic 1; plus strand). Cytogenetic location: 2p16.2.
Variant type: single nucleotide variant.
Coding change: c.4861G>A on transcript NM_003128.3 (MANE Select); coding-DNA position 4861, G replaced by A.
Protein change: p.Ala1621Thr; replaces alanine 1621 with threonine.
Molecular consequence: missense variant.
Genome position (GRCh38, 1-based): chr2:54,646,470, G>A. VCF-style: chr2-54646470-G-A. GRCh37 (hg19) VCF-style: chr2-54873607-G-A.
Other names: c.4822G>A, p.Ala1608Thr (NM_178313.3); short protein forms A1608T, A1621T.
Identifiers: ClinVar variation 3069000 (VCV003069000.2), dbSNP rs769878216, ClinGen allele CA1661175.